The following is an entry in ClinVar:

ClinVar aggregate classification (germline): Uncertain significance. Review status: criteria provided, multiple submitters, no conflicts (2 of 4 stars). 3 submissions from 3 submitters: Uncertain significance (3). Last evaluated 2025-09-01.

Conditions:
Brown-Vialetto-van Laere syndrome 1. Also called: BROWN-VIALETTO-VAN LAERE SYNDROME 1, MILD; BULBAR PALSY, PROGRESSIVE, WITH SENSORINEURAL DEAFNESS; PONTOBULBAR PALSY WITH DEAFNESS. Identifiers: Orphanet 572550, Orphanet 97229, MedGen C0796274, MONDO:0024537, OMIM 211530.
Inborn genetic diseases. Identifiers: MedGen C0950123, MeSH D030342.

Allele frequency attached by ClinVar (database versions not stated): gnomAD 0.00001 and 0.00002; ExAC 0.00002; gnomAD exomes 0.00003; TOPMed 0.00002.
gnomAD v4.1: 45 of 1,614,086 alleles (0.0028%); highest among the groups gnomAD compares: Admixed American, 0.0083%; no homozygotes.

Submissions (3):

Ambry Genetics
Classification: Uncertain significance for Inborn genetic diseases. Last evaluated: 2025-09-01. Review status: criteria provided, single submitter. Criteria: Ambry Variant Classification Scheme 2023. Collection method: clinical testing. Allele origin: germline.

GeneDx
Classification: Uncertain significance. Last evaluated: 2025-03-16. Review status: criteria provided, single submitter. Criteria: GeneDx Variant Classification Process June 2021. Collection method: clinical testing. Allele origin: germline. Affected: yes.
Comment: Not observed at significant frequency in large population cohorts (gnomAD); In silico analysis indicates that this missense variant does not alter protein structure/function; Has not been previously published as pathogenic or benign to our knowledge

Labcorp Genetics (formerly Invitae), Labcorp
Classification: Uncertain significance for Brown-Vialetto-van Laere syndrome 1. Last evaluated: 2021-08-24. Review status: criteria provided, single submitter. Criteria: Invitae Variant Classification Sherloc (09022015). Collection method: clinical testing. Allele origin: germline.
Comment: This sequence change replaces leucine with isoleucine at codon 366 of the SLC52A3 protein (p.Leu366Ile). The leucine residue is highly conserved and there is a small physicochemical difference between leucine and isoleucine. This variant is present in population databases (rs772652109, ExAC 0.003%). This variant has not been reported in the literature in individuals affected with SLC52A3-related conditions. Algorithms developed to predict the effect of missense changes on protein structure and function output the following: SIFT: "Tolerated"; PolyPhen-2: "Benign"; Align-GVGD: "Class C0". The isoleucine amino acid residue is found in multiple mammalian species, which suggests that this missense change does not adversely affect protein function. In summary, the available evidence is currently insufficient to determine the role of this variant in disease. Therefore, it has been classified as a Variant of Uncertain Significance.

NM_033409.4(SLC52A3):c.1096C>A (p.Leu366Ile)

Gene: SLC52A3 (solute carrier family 52 member 3; minus strand). Cytogenetic location: 20p13.
Variant type: single nucleotide variant.
Coding change: c.1096C>A on transcript NM_033409.4 (MANE Select); coding-DNA position 1096, C replaced by A.
Protein change: p.Leu366Ile; replaces leucine 366 with isoleucine.
Molecular consequence: missense variant.
Genome position (GRCh38, 1-based): chr20:761,802, G>T on the plus strand (C>A on the coding strand, the complement: SLC52A3 is on the minus strand). VCF-style: chr20-761802-G-T. GRCh37 (hg19) VCF-style: chr20-742446-G-T.
Other names: c.1096C>A, p.Leu366Ile (NM_001370085.1, NM_001370086.1); short protein forms L366I.
Identifiers: ClinVar variation 1429028 (VCV001429028.9), dbSNP rs772652109, ClinGen allele CA9724598.